The following is an entry in ClinVar:

ClinVar aggregate classification (germline): Uncertain significance (1 of 4 stars; one submission).

Conditions:
Leigh syndrome (NULS). Also called: Leigh's necrotizing encephalopathy; Leigh's disease; Leigh's syndrome; LEIGH SYNDROME, NUCLEAR; Leigh Syndrome (mtDNA deletion); Leigh Disease. Identifiers: Orphanet 506, MedGen C2931891, MONDO:0009723, OMIM 256000.

Submission:

Wong Mito Lab, Molecular and Human Genetics, Baylor College of Medicine
Classification: Uncertain significance for Leigh syndrome. Last evaluated: 2019-10-17. Review status: criteria provided, single submitter. Criteria: Modified ACMG Guidelines (Unpublished). Collection method: clinical testing. Allele origin: germline.
Comment: The NC_012920.1:m.15542C>T (YP_003024038.1:p.Pro266Ser) variant in MTCYB gene is interpretated to be a Uncertain Significance variant based on the modified ACMG guidelines (unpublished). This variant meets the following evidence codes: PP4, PP6

NC_012920.1(MT-CYB):m.15542C>T

Gene: MT-CYB (mitochondrially encoded cytochrome b; plus strand).
Variant type: single nucleotide variant.
Genome position: chrM-15542-C-T.
Identifiers: ClinVar variation 693905 (VCV000693905.1), dbSNP rs1603225339, ClinGen allele CA913174156.